The following is an entry in ClinVar:

NM_021978.4(ST14):c.1047dup (p.Thr350fs)

Gene: ST14 (ST14 transmembrane serine protease matriptase; plus strand). Cytogenetic location: 11q24.3.
Variant type: Duplication.
Coding change: c.1047dup on transcript NM_021978.4 (MANE Select); coding-DNA position 1047, one base duplicated (G; older notation c.1047dupG).
Protein change: p.Thr350fs; shifts the reading frame from threonine 350.
Molecular consequence: frameshift variant.
Genome position (GRCh38, 1-based): chr11:130,194,671, G duplicated; the last of 4 consecutive G bases (chr11:130,194,668-130,194,671); duplicating any one gives the same sequence. VCF-style (leftmost placement, unchanged base first): chr11-130194667-A-AG. GRCh37 (hg19) VCF-style: chr11-130064562-A-AG.
Other names: short protein forms T350fs.
Identifiers: ClinVar variation 2862877 (VCV002862877.3), dbSNP rs2540755180, ClinGen allele CA2739271800.
Genomic context (GRCh38, chr11:130,194,667, plus strand): 5'-GATCCTCTTGCTTTCTCCCACCTTCCCTCTCAGGCTGTGGAGGCCGCTTACGTAAAGCCC[A>AG]GGGGACATTCAACAGCCCCTACTACCCAGGCCACTACCCACCCAACATTGACTGCACATG-3'

ClinVar aggregate classification (germline): Pathogenic (1 of 4 stars; one submission).

Submission:

Labcorp Genetics (formerly Invitae), Labcorp
Classification: Pathogenic. Last evaluated: 2023-05-09. Review status: criteria provided, single submitter. Criteria: Invitae Variant Classification Sherloc (09022015). Collection method: clinical testing. Allele origin: germline.
Comment: This variant has not been reported in the literature in individuals affected with ST14-related conditions. This variant is not present in population databases (gnomAD no frequency). This sequence change creates a premature translational stop signal (p.Thr350Aspfs*16) in the ST14 gene. It is expected to result in an absent or disrupted protein product. Loss-of-function variants in ST14 are known to be pathogenic (PMID: 18843291, 25308318). For these reasons, this variant has been classified as Pathogenic.

Literature cited by the submitters: PubMed 18843291; PubMed 25308318.